The following is an entry in ClinVar:

NM_003070.5(SMARCA2):c.238A>G (p.Ile80Val)

Gene: SMARCA2 (SWI/SNF related BAF chromatin remodeling complex subunit ATPase 2; plus strand). Cytogenetic location: 9p24.3.
Variant type: single nucleotide variant.
Coding change: c.238A>G on transcript NM_003070.5 (MANE Select); coding-DNA position 238, A replaced by G.
Protein change: p.Ile80Val; replaces isoleucine 80 with valine.
Molecular consequence: missense variant.
Genome position (GRCh38, 1-based): chr9:2,032,964, A>G. VCF-style: chr9-2032964-A-G. GRCh37 (hg19) VCF-style: chr9-2032964-A-G.
Other names: c.238A>G, p.Ile80Val (NM_001289396.2, NM_001289397.2, NM_139045.4); short protein forms I80V.
Identifiers: ClinVar variation 2990125 (VCV002990125.3), dbSNP rs1410786180, ClinGen allele CA372779467.

ClinVar aggregate classification (germline): Uncertain significance (1 of 4 stars; one submission).

Allele frequency attached by ClinVar (database versions not stated): gnomAD exomes below 0.00001.
gnomAD v4.1: 4 of 1,613,938 alleles (0.00025%); highest among the groups gnomAD compares: Admixed American, 0.0017%; no homozygotes.

Submission:

Labcorp Genetics (formerly Invitae), Labcorp
Classification: Uncertain significance. Last evaluated: 2023-11-18. Review status: criteria provided, single submitter. Criteria: Invitae Variant Classification Sherloc (09022015). Collection method: clinical testing. Allele origin: germline.
Comment: This sequence change replaces isoleucine, which is neutral and non-polar, with valine, which is neutral and non-polar, at codon 80 of the SMARCA2 protein (p.Ile80Val). This variant is present in population databases (no rsID available, gnomAD 0.003%). This variant has not been reported in the literature in individuals affected with SMARCA2-related conditions. Advanced modeling of protein sequence and biophysical properties (such as structural, functional, and spatial information, amino acid conservation, physicochemical variation, residue mobility, and thermodynamic stability) performed at Invitae indicates that this missense variant is not expected to disrupt SMARCA2 protein function with a negative predictive value of 80%. In summary, the available evidence is currently insufficient to determine the role of this variant in disease. Therefore, it has been classified as a Variant of Uncertain Significance.